The following is an entry in ClinVar:

NM_000085.5(CLCNKB):c.12T>G (p.Phe4Leu)

Gene: CLCNKB (chloride voltage-gated channel Kb; plus strand). Cytogenetic location: 1p36.13.
Variant type: single nucleotide variant.
Coding change: c.12T>G on transcript NM_000085.5 (MANE Select); coding-DNA position 12, T replaced by G.
Protein change: p.Phe4Leu; replaces phenylalanine 4 with leucine.
Molecular consequence: missense variant.
Genome position (GRCh38, 1-based): chr1:16,044,504, T>G. VCF-style: chr1-16044504-T-G. GRCh37 (hg19) VCF-style: chr1-16370999-T-G.
Other names: p.Phe4Leu; short protein forms F4L.
Identifiers: ClinVar variation 786451 (VCV000786451.12), dbSNP rs34851419, ClinGen allele CA623136.

ClinVar aggregate classification (germline): Benign. Review status: criteria provided, multiple submitters, no conflicts (2 of 4 stars). 3 submissions from 3 submitters: Benign (3). Last evaluated 2026-01-28.

Allele frequency attached by ClinVar (database versions not stated): gnomAD exomes 0.00267; ExAC 0.00535; gnomAD 0.00991 and 0.01060; TOPMed 0.01068; ESP Exome Variant Server 0.01092; 1000 Genomes Project 0.01218; 1000 Genomes Project 30x 0.01296.
gnomAD v4.1: 2,962 of 1,603,526 alleles (0.18%); highest among the groups gnomAD compares: African/African-American, 3.5%; 56 homozygotes.

Submissions (4):

Labcorp Genetics (formerly Invitae), Labcorp
Classification: Benign. Last evaluated: 2026-01-28. Review status: criteria provided, single submitter. Criteria: Invitae Variant Classification Sherloc (09022015). Collection method: clinical testing. Allele origin: germline.

Mayo Clinic Laboratories, Mayo Clinic
Classification: Benign. Last evaluated: 2025-08-05. Review status: criteria provided, single submitter. Criteria: ACMG Guidelines, 2015. Collection method: clinical testing. Allele origin: germline. Observed: 2 variant alleles.
Comment: BS1, BS2, BP4

Athena Diagnostics
Classification: Benign. Last evaluated: 2020-01-10. Review status: criteria provided, single submitter. Criteria: Athena Diagnostics Criteria. Collection method: clinical testing. Allele origin: unknown.

Dr. Peter K. Rogan Lab, Western University
No classification provided (evidence only). Condition: Nonpapillary renal cell carcinoma. Review status: no classification provided. Collection method: in vitro. Allele origin: not applicable. Functional consequence: skipped exon. Not counted in ClinVar's aggregate classification.